The following is an entry in ClinVar:

NM_000214.3(JAG1):c.1813del (p.Cys605fs)

Gene: JAG1 (jagged canonical Notch ligand 1; minus strand). Cytogenetic location: 20p12.2.
Variant type: Deletion.
Coding change: c.1813del on transcript NM_000214.3 (MANE Select); coding-DNA position 1813, one base deleted (T; older notation c.1813delT).
Protein change: p.Cys605fs; shifts the reading frame from cysteine 605.
Molecular consequence: frameshift variant.
Genome position (GRCh38, 1-based): chr20:10,647,011, A deleted on the plus strand (T on the coding strand, the reverse complement: JAG1 is on the minus strand). VCF-style (leftmost placement, unchanged base first): chr20-10647010-CA-C. GRCh37 (hg19) VCF-style: chr20-10627658-CA-C.
Other names: short protein forms C605fs.
Identifiers: ClinVar variation 3069156 (VCV003069156.1), dbSNP rs2514515620, ClinGen allele CA2825002829.

ClinVar aggregate classification (germline): Pathogenic (1 of 4 stars; one submission).

Conditions:
Alagille syndrome due to a JAG1 point mutation. Also called: JAG1-Related Alagille Syndrome; Alagille Syndrome 1; HEPATIC DUCTULAR HYPOPLASIA, SYNDROMATIC. Identifiers: Orphanet 261619, Orphanet 52, MedGen C1956125, MONDO:0016862, OMIM 118450.

Submission:

Illumina Laboratory Services, Illumina
Classification: Pathogenic for Alagille syndrome due to a JAG1 point mutation. Last evaluated: 2022-05-23. Review status: criteria provided, single submitter. Criteria: ICSLVariantClassificationCriteria RUGD 01 April 2020. Collection method: clinical testing. Allele origin: unknown.
Comment: The JAG1 c.1813delT p.(Cys605AlafsTer138) variant causes a shift in the protein reading frame that is predicted to result in premature termination of the protein. Loss of normal protein function through either protein truncation or nonsense-mediated mRNA decay is expected. To our knowledge, this variant has not been reported in the peer-reviewed literature. This variant is not found in version 2.1.1 or version 3.1.2 of the Genome Aggregation Database. Based on the available evidence, the c.1813delT p.(Cys605AlafsTer138) variant is classified as pathogenic for Alagille syndrome.